The following is an entry in ClinVar:

NM_017780.4(CHD7):c.2839C>T (p.Arg947Ter)

Gene: CHD7 (chromodomain helicase DNA binding protein 7; plus strand). Cytogenetic location: 8q12.2.
Variant type: single nucleotide variant.
Coding change: c.2839C>T on transcript NM_017780.4 (MANE Select); coding-DNA position 2839, C replaced by T.
Protein change: p.Arg947Ter; replaces arginine 947 with a stop codon.
Molecular consequence: nonsense. On other transcripts: intron variant (1).
Genome position (GRCh38, 1-based): chr8:60,822,027, C>T. VCF-style: chr8-60822027-C-T. GRCh37 (hg19) VCF-style: chr8-61734586-C-T.
Other names: c.1717-40202C>T (NM_001316690.1); short protein forms R947*.
Identifiers: ClinVar variation 95781 (VCV000095781.18), dbSNP rs200220845, ClinGen allele CA223282.

ClinVar aggregate classification (germline): Pathogenic. Review status: criteria provided, multiple submitters, no conflicts (2 of 4 stars). 7 submissions from 7 submitters: Pathogenic (6). 1 of the submissions does not count toward it. Last evaluated 2026-02-04.

Conditions:
CHD7-related disorder. Also called: CHD7-related condition.
Hypogonadotropic hypogonadism 5 with or without anosmia (KAL5). Also called: CHD7-Related GnRH Deficiency (Kallmann Syndrome 5); HYPOGONADOTROPIC HYPOGONADISM 5 WITH ANOSMIA; HYPOGONADOTROPHIC HYPOGONADISM 5 WITHOUT ANOSMIA. Identifiers: Orphanet 478, MedGen C3552553, MONDO:0012880, OMIM 612370. Disease mechanism: loss of function.
CHARGE syndrome (CHARGE). Also called: CHARGE ASSOCIATION--COLOBOMA, HEART ANOMALY, CHOANAL ATRESIA, RETARDATION, GENITAL AND EAR ANOMALIES; Hittner Hirsch Kreh syndrome; Coloboma, heart anomaly, choanal atresia, retardation, genital and ear anomalies; CHARGE association; Hall-Hittner syndrome. Identifiers: Orphanet 138, MedGen C0265354, MONDO:0008965.

Submissions (7):

GeneDx
Classification: Pathogenic. Last evaluated: 2026-02-04. Review status: criteria provided, single submitter. Criteria: GeneDx Variant Classification Process June 2021. Collection method: clinical testing. Allele origin: germline. Affected: yes.
Comment: Nonsense variant predicted to result in protein truncation or nonsense mediated decay in a gene for which loss of function is a known mechanism of disease; Not observed at significant frequency in large population cohorts (gnomAD); This variant is associated with the following publications: (PMID: 32109418, 38321498, 35015700, 35904121, 36478645, 28475860, 30287924, 16615981, 32978145, 32804436, 25525159, 24979395, 33142350, 35726512, 18445044)

Labcorp Genetics (formerly Invitae), Labcorp
Classification: Pathogenic for CHARGE syndrome. Last evaluated: 2025-03-13. Review status: criteria provided, single submitter. Criteria: Invitae Variant Classification Sherloc (09022015). Collection method: clinical testing. Allele origin: germline.
Comment: This sequence change creates a premature translational stop signal (p.Arg947*) in the CHD7 gene. It is expected to result in an absent or disrupted protein product. Loss-of-function variants in CHD7 are known to be pathogenic (PMID: 22461308, 25077900). This variant is not present in population databases (gnomAD no frequency). This premature translational stop signal has been observed in individual(s) with CHARGE syndrome (PMID: 16615981, 33142350). ClinVar contains an entry for this variant (Variation ID: 95781). For these reasons, this variant has been classified as Pathogenic.

Women's Health and Genetics/Laboratory Corporation of America, LabCorp
Classification: Pathogenic for CHARGE syndrome. Last evaluated: 2023-02-02. Review status: criteria provided, single submitter. Criteria: LabCorp Variant Classification Summary - May 2015. Collection method: clinical testing. Allele origin: germline.
Comment: Variant summary: CHD7 c.2839C>T (p.Arg947X) results in a premature termination codon, predicted to cause a truncation of the encoded protein or absence of the protein due to nonsense mediated decay, which are commonly known mechanisms for disease. Truncations downstream of this position have been classified as pathogenic by our laboratory. The variant was absent in 248812 control chromosomes (gnomAD). c.2839C>T has been reported in the literature in multiple individuals affected with CHARGE Syndrome, including several cases where it has been confirmed to be a de novo occurrence (e.g. Aramaki_2006, Wincent_2008, Janssen_2012, Green_2014, Hale_2016, Wei_2020). These data indicate that the variant is very likely to be associated with disease. To our knowledge, no experimental evidence demonstrating an impact on protein function has been reported. Three clinical diagnostic laboratories have submitted clinical-significance assessments for this variant to ClinVar after 2014 without evidence for independent evaluation and all classified the variant as pathogenic. Based on the evidence outlined above, the variant was classified as pathogenic.

Revvity Omics, Revvity
Classification: Pathogenic. Last evaluated: 2021-10-18. Review status: criteria provided, single submitter. Criteria: ACMG Guidelines, 2015. Collection method: clinical testing. Allele origin: germline.

Fulgent Genetics
Classification: Pathogenic for CHD7-related CHARGE syndrome; Hypogonadotropic hypogonadism 5 with or without anosmia. Last evaluated: 2018-10-31. Review status: criteria provided, single submitter. Criteria: ACMG Guidelines, 2015. Collection method: clinical testing. Allele origin: unknown.

Eurofins Ntd Llc (ga)
Classification: Pathogenic. Last evaluated: 2013-02-20. Review status: criteria provided, single submitter. Criteria: EGL Classification Definitions. Collection method: clinical testing. Allele origin: germline. Observed: 1 variant allele, 1 heterozygote.

PreventionGenetics, part of Exact Sciences
Classification: Pathogenic for CHD7-related condition. Last evaluated: 2024-03-25. Review status: no assertion criteria provided. Collection method: clinical testing. Allele origin: germline. Not counted in ClinVar's aggregate classification.
Comment: The CHD7 c.2839C>T variant is predicted to result in premature protein termination (p.Arg947*). This variant has been previously reported in individuals with CHARGE syndrome (see for example Aramaki et al. 2006. PubMed ID: 16615981; Butcher et al. 2017. PubMed ID: 28475860, Table S5; Wei et al. 2020. PubMed ID: 32978145, Supplementary Table 2), or cardiac related abnormalities (Van der Sluijs et al. 2018. PubMed ID: 30287924; Table S1). It has been documented as de novo in several patients (Wei et al. 2020. PubMed ID: 32804436; Zhu et al. 2022. PubMed ID: 35726512). This variant has not been reported in a large population database, indicating this variant is rare. Nonsense variants in CHD7 are expected to be pathogenic. This variant is interpreted as pathogenic.

Literature cited by the submitters: PubMed 22461308 (cited by Labcorp Genetics (formerly Invitae), Labcorp and Women's Health and Genetics/Laboratory Corporation of America, LabCorp); PubMed 25077900 (cited by Labcorp Genetics (formerly Invitae), Labcorp); PubMed 16615981 (cited by Labcorp Genetics (formerly Invitae), Labcorp and Women's Health and Genetics/Laboratory Corporation of America, LabCorp); PubMed 33142350 (cited by Labcorp Genetics (formerly Invitae), Labcorp); PubMed 18445044 (cited by Women's Health and Genetics/Laboratory Corporation of America, LabCorp); PubMed 24979395 (cited by Women's Health and Genetics/Laboratory Corporation of America, LabCorp); PubMed 26590800 (cited by Women's Health and Genetics/Laboratory Corporation of America, LabCorp); PubMed 32804436 (cited by Women's Health and Genetics/Laboratory Corporation of America, LabCorp).